The following is an entry in ClinVar:

ClinVar aggregate classification (germline): Conflicting classifications of pathogenicity. Review status: criteria provided, conflicting classifications (1 of 4 stars). 4 submissions from 4 submitters: Uncertain significance (1); Likely benign (3). Last evaluated 2025-07-21.

Conditions:
Inborn genetic diseases. Identifiers: MedGen C0950123, MeSH D030342.
Seckel syndrome 1 (SCKL1). Also called: MICROCEPHALIC PRIMORDIAL DWARFISM I. Identifiers: Orphanet 808, MedGen C4551474, MONDO:0008869, OMIM 210600.

Allele frequency attached by ClinVar (database versions not stated): gnomAD 0.00027 and 0.00032; TOPMed 0.00028; ESP Exome Variant Server 0.00038.
gnomAD v4.1: 68 of 1,613,748 alleles (0.0042%); highest among the groups gnomAD compares: African/African-American, 0.083%; no homozygotes.

Submissions (4):

Labcorp Genetics (formerly Invitae), Labcorp
Classification: Likely benign. Last evaluated: 2025-07-21. Review status: criteria provided, single submitter. Criteria: Invitae Variant Classification Sherloc (09022015). Collection method: clinical testing. Allele origin: germline.

Ambry Genetics
Classification: Likely benign for Inborn genetic diseases. Last evaluated: 2022-02-23. Review status: criteria provided, single submitter. Criteria: Ambry Variant Classification Scheme 2023. Collection method: clinical testing. Allele origin: germline.

Illumina Laboratory Services, Illumina
Classification: Uncertain significance for Seckel syndrome 1. Last evaluated: 2018-01-13. Review status: criteria provided, single submitter. Criteria: ICSL Variant Classification Criteria 13 December 2019. Collection method: clinical testing. Allele origin: germline.

GeneDx
Classification: Likely benign. Last evaluated: 2016-05-20. Review status: criteria provided, single submitter. Criteria: GeneDx Variant Classification (06012015). Collection method: clinical testing. Allele origin: germline. Affected: yes.
Comment: This variant is considered likely benign or benign based on one or more of the following criteria: it is a conservative change, it occurs at a poorly conserved position in the protein, it is predicted to be benign by multiple in silico algorithms, and/or has population frequency not consistent with disease.

NM_001184.4(ATR):c.3241C>T (p.Leu1081=)

Gene: ATR (ATR checkpoint kinase; minus strand). Cytogenetic location: 3q23.
Variant type: single nucleotide variant.
Coding change: c.3241C>T on transcript NM_001184.4 (MANE Select); coding-DNA position 3241, C replaced by T.
Protein change: p.Leu1081=; no amino-acid change (leucine 1081 retained).
Molecular consequence: synonymous variant.
Genome position (GRCh38, 1-based): chr3:142,547,841, G>A on the plus strand (C>T on the coding strand, the complement: ATR is on the minus strand). VCF-style: chr3-142547841-G-A. GRCh37 (hg19) VCF-style: chr3-142266683-G-A.
Other names: c.3049C>T, p.Leu1017= (NM_001354579.2).
Identifiers: ClinVar variation 343611 (VCV000343611.15), dbSNP rs139173669, ClinGen allele CA2650170.